The following is an entry in ClinVar:

ClinVar aggregate classification (germline): Likely benign (1 of 4 stars; one submission).

Allele frequency attached by ClinVar (database versions not stated): TOPMed 0.00001; gnomAD exomes 0.00002; gnomAD 0.00004.
gnomAD v4.1: 26 of 1,203,779 alleles (0.0022%); highest among the groups gnomAD compares: South Asian, 0.03%; no homozygotes.

Submission:

CeGaT Center for Human Genetics Tuebingen
Classification: Likely benign. Last evaluated: 2022-05-01. Review status: criteria provided, single submitter. Criteria: CeGaT Center For Human Genetics Tuebingen Variant Classification Criteria Version 2. Collection method: clinical testing. Allele origin: germline. Affected: yes. Observed: 1 variant allele.
Comment: MBTPS2: BP4, BP7

NM_015884.4(MBTPS2):c.339T>C (p.Tyr113=)

Gene: MBTPS2 (membrane bound transcription factor peptidase, site 2; plus strand). Cytogenetic location: Xp22.12.
Variant type: single nucleotide variant.
Coding change: c.339T>C on transcript NM_015884.4 (MANE Select); coding-DNA position 339, T replaced by C.
Protein change: p.Tyr113=; no amino-acid change (tyrosine 113 retained).
Molecular consequence: synonymous variant.
Genome position (GRCh38, 1-based): chrX:21,845,285, T>C. VCF-style: chrX-21845285-T-C. GRCh37 (hg19) VCF-style: chrX-21863403-T-C.
Identifiers: ClinVar variation 2660152 (VCV002660152.24), dbSNP rs7063422, ClinGen allele CA10367334.
Genomic context (GRCh38, chrX:21,845,285, plus strand): 5'-CCTTGGAAAAACGCTGATGCAGACTTTGGCACAAATGATGGCTGACTCTCCCTCTTCTTA[T>C]TCTTCCTCCTCTTCTTCCTCTTCCTCCTCTTCTTCCTCTTCCTCTTCTTCATCTTCTTCC-3'
Protein context (NP_056968.1, residues 103-123): AQMMADSPSS[Tyr113=]SSSSSSSSSS